The following is an entry in ClinVar:

NM_001363711.2(DUOX2):c.1453C>T (p.Leu485Phe)

Gene: DUOX2 (dual oxidase 2; minus strand). Cytogenetic location: 15q21.1.
Variant type: single nucleotide variant.
Coding change: c.1453C>T on transcript NM_001363711.2 (MANE Select); coding-DNA position 1453, C replaced by T.
Protein change: p.Leu485Phe; replaces leucine 485 with phenylalanine.
Molecular consequence: missense variant.
Genome position (GRCh38, 1-based): chr15:45,108,168, G>A on the plus strand (C>T on the coding strand, the complement: DUOX2 is on the minus strand). VCF-style: chr15-45108168-G-A. GRCh37 (hg19) VCF-style: chr15-45400366-G-A.
Other names: c.1453C>T, p.Leu485Phe (NM_014080.5); short protein forms L485F.
Identifiers: ClinVar variation 1370313 (VCV001370313.8), dbSNP rs1350410248, ClinGen allele CA392276595.

ClinVar aggregate classification (germline): Uncertain significance (1 of 4 stars; one submission).

Allele frequency attached by ClinVar (database versions not stated): gnomAD exomes below 0.00001.

Submission:

Labcorp Genetics (formerly Invitae), Labcorp
Classification: Uncertain significance. Last evaluated: 2021-12-24. Review status: criteria provided, single submitter. Criteria: Invitae Variant Classification Sherloc (09022015). Collection method: clinical testing. Allele origin: germline.
Comment: This sequence change replaces leucine, which is neutral and non-polar, with phenylalanine, which is neutral and non-polar, at codon 485 of the DUOX2 protein (p.Leu485Phe). This variant is present in population databases (no rsID available, gnomAD 0.0009%). This variant has not been reported in the literature in individuals affected with DUOX2-related conditions. Advanced modeling of protein sequence and biophysical properties (such as structural, functional, and spatial information, amino acid conservation, physicochemical variation, residue mobility, and thermodynamic stability) performed at Invitae indicates that this missense variant is not expected to disrupt DUOX2 protein function. In summary, the available evidence is currently insufficient to determine the role of this variant in disease. Therefore, it has been classified as a Variant of Uncertain Significance.